The following is an entry in ClinVar:

NM_000384.3(APOB):c.571A>G (p.Thr191Ala)

Gene: APOB (apolipoprotein B; minus strand). Cytogenetic location: 2p24.1.
Variant type: single nucleotide variant.
Coding change: c.571A>G on transcript NM_000384.3 (MANE Select); coding-DNA position 571, A replaced by G.
Protein change: p.Thr191Ala; replaces threonine 191 with alanine.
Molecular consequence: missense variant.
Genome position (GRCh38, 1-based): chr2:21,037,222, T>C on the plus strand (A>G on the coding strand, the complement: APOB is on the minus strand). VCF-style: chr2-21037222-T-C. GRCh37 (hg19) VCF-style: chr2-21260094-T-C.
Other names: short protein forms T191A.
Identifiers: ClinVar variation 925527 (VCV000925527.16), dbSNP rs1318040190, ClinGen allele CA345962145.

ClinVar aggregate classification (germline): Uncertain significance. Review status: criteria provided, multiple submitters, no conflicts (2 of 4 stars). 5 submissions from 5 submitters: Uncertain significance (2). 3 of the submissions do not count toward it. Last evaluated 2025-03-10.

Conditions:
Cardiovascular phenotype. Identifiers: MedGen CN230736.
Familial hypobetalipoproteinemia 1. Also called: Hypobetalipoproteinemia, normotriglyceridemic; Acanthocytosis with hypobetalipoproteinemia; APOB-Related Familial Hypobetalipoproteinemia. Identifiers: MedGen C4551990, MONDO:0014252, OMIM 615558.
Hypercholesterolemia, autosomal dominant, type B (FHCL2). Also called: Familial Hypercholesterolemia Type B; HYPERCHOLESTEROLEMIA, FAMILIAL, DUE TO LIGAND-DEFECTIVE APOLIPOPROTEIN B; Familial hypercholesterolemia 2; APOB-Related Familial Hypercholesterolemia, Autosomal Dominant; APOLIPOPROTEIN B-100, FAMILIAL DEFECTIVE; APOLIPOPROTEIN B-100, FAMILIAL LIGAND-DEFECTIVE. Identifiers: MedGen C1704417, MONDO:0007751, OMIM 144010.

Allele frequency attached by ClinVar (database versions not stated): gnomAD exomes below 0.00001 and 0.00003; TOPMed 0.00002; gnomAD 0.00003.
gnomAD v4.1: 44 of 1,613,950 alleles (0.0027%); highest among the groups gnomAD compares: Non-Finnish European, 0.0037%; no homozygotes.

Submissions (5):

Labcorp Genetics (formerly Invitae), Labcorp
Classification: Uncertain significance for Familial hypobetalipoproteinemia 1; Hypercholesterolemia, autosomal dominant, type B. Last evaluated: 2025-03-10. Review status: criteria provided, single submitter. Criteria: Invitae Variant Classification Sherloc (09022015). Collection method: clinical testing. Allele origin: germline.
Comment: This sequence change replaces threonine, which is neutral and polar, with alanine, which is neutral and non-polar, at codon 191 of the APOB protein (p.Thr191Ala). This variant is present in population databases (no rsID available, gnomAD 0.0009%). This variant has not been reported in the literature in individuals affected with APOB-related conditions. ClinVar contains an entry for this variant (Variation ID: 925527). Invitae Evidence Modeling of protein sequence and biophysical properties (such as structural, functional, and spatial information, amino acid conservation, physicochemical variation, residue mobility, and thermodynamic stability) indicates that this missense variant is not expected to disrupt APOB protein function with a negative predictive value of 95%. In summary, the available evidence is currently insufficient to determine the role of this variant in disease. Therefore, it has been classified as a Variant of Uncertain Significance.

Ambry Genetics
Classification: Uncertain significance for Cardiovascular phenotype. Last evaluated: 2024-02-17. Review status: criteria provided, single submitter. Criteria: Ambry Variant Classification Scheme 2023. Collection method: clinical testing. Allele origin: germline.
Comment: The p.T191A variant (also known as c.571A>G), located in coding exon 6 of the APOB gene, results from an A to G substitution at nucleotide position 571. The threonine at codon 191 is replaced by alanine, an amino acid with similar properties. This amino acid position is conserved. In addition, this alteration is predicted to be tolerated by in silico analysis. Since supporting evidence is limited at this time, the clinical significance of this alteration remains unclear.

Clinical Genetics DNA and cytogenetics Diagnostics Lab, Erasmus MC, Erasmus Medical Center
Classification: Likely benign. Review status: no assertion criteria provided. Collection method: clinical testing. Allele origin: germline. Affected: yes. Study: VKGL Data-share Consensus. Not counted in ClinVar's aggregate classification.

Clinical Genetics, Academic Medical Center
Classification: Likely benign. Review status: no assertion criteria provided. Collection method: clinical testing. Allele origin: germline. Affected: yes. Study: VKGL Data-share Consensus. Not counted in ClinVar's aggregate classification.

Department of Pathology and Laboratory Medicine, Sinai Health System
Classification: Uncertain significance. Review status: no assertion criteria provided. Collection method: clinical testing. Allele origin: unknown. Affected: yes. Study: The Canadian Open Genetics Repository (COGR). Not counted in ClinVar's aggregate classification.
Comment: The APOB p.Thr191Ala variant was not identified in the literature nor was it identified in ClinVar. The variant was identified in dbSNP (ID: rs1318040190) and LOVD 3.0 (classified as likely benign). The variant was identified in control databases in 1 of 251414 chromosomes at a frequency of 0.000004 (Genome Aggregation Database March 6, 2019, v2.1.1). The variant was observed in the European (non-Finnish) population in 1 of 113728 chromosomes (freq: 0.000009) but was not observed in the African, Latino, Ashkenazi Jewish, East Asian, European (Finnish), Other, or South Asian populations. The p.Thr191 residue is conserved in mammals but not in more distantly related organisms however computational analyses (PolyPhen-2, SIFT, AlignGVGD, BLOSUM, MutationTaster) do not suggest a high likelihood of impact to the protein; this information is not predictive enough to rule out pathogenicity. The variant occurs outside of the splicing consensus sequence and in silico or computational prediction software programs (SpliceSiteFinder, MaxEntScan, NNSPLICE, GeneSplicer) do not predict a difference in splicing. In summary, based on the above information the clinical significance of this variant cannot be determined with certainty at this time. This variant is classified as a variant of uncertain significance.